The following is an entry in ClinVar:

ClinVar aggregate classification (germline): Uncertain significance. Review status: criteria provided, multiple submitters, no conflicts (2 of 4 stars). 2 submissions from 2 submitters: Uncertain significance (2). Last evaluated 2025-06-04.

Conditions:
MEGF8-related Carpenter syndrome. Also called: Carpenter syndrome 2. Identifiers: Orphanet 65759, MedGen C3554247, MONDO:0013998, OMIM 614976.
Inborn genetic diseases. Identifiers: MedGen C0950123, MeSH D030342.

Allele frequency attached by ClinVar (database versions not stated): gnomAD 0.00007 and 0.00008; gnomAD exomes 0.00007; ESP Exome Variant Server 0.00015; TOPMed 0.00006; ExAC 0.00020.
gnomAD v4.1: 129 of 1,551,624 alleles (0.0083%); highest among the groups gnomAD compares: Non-Finnish European, 0.0097%; no homozygotes.

Submissions (2):

Ambry Genetics
Classification: Uncertain significance for Inborn genetic diseases. Last evaluated: 2025-06-04. Review status: criteria provided, single submitter. Criteria: Ambry Variant Classification Scheme 2023. Collection method: clinical testing. Allele origin: germline.

Labcorp Genetics (formerly Invitae), Labcorp
Classification: Uncertain significance for MEGF8-related Carpenter syndrome. Last evaluated: 2024-10-25. Review status: criteria provided, single submitter. Criteria: Invitae Variant Classification Sherloc (09022015). Collection method: clinical testing. Allele origin: germline.
Comment: This sequence change replaces alanine, which is neutral and non-polar, with serine, which is neutral and polar, at codon 1724 of the MEGF8 protein (p.Ala1724Ser). This variant is present in population databases (rs370106282, gnomAD 0.03%). This variant has not been reported in the literature in individuals affected with MEGF8-related conditions. ClinVar contains an entry for this variant (Variation ID: 1522104). An algorithm developed to predict the effect of missense changes on protein structure and function (PolyPhen-2) suggests that this variant is likely to be disruptive. In summary, the available evidence is currently insufficient to determine the role of this variant in disease. Therefore, it has been classified as a Variant of Uncertain Significance.

NM_001271938.2(MEGF8):c.5371G>T (p.Ala1791Ser)

Gene: MEGF8 (multiple EGF like domains 8; plus strand). Cytogenetic location: 19q13.2.
Variant type: single nucleotide variant.
Coding change: c.5371G>T on transcript NM_001271938.2 (MANE Select); coding-DNA position 5371, G replaced by T.
Protein change: p.Ala1791Ser; replaces alanine 1791 with serine.
Molecular consequence: missense variant.
Genome position (GRCh38, 1-based): chr19:42,359,125, G>T. VCF-style: chr19-42359125-G-T. GRCh37 (hg19) VCF-style: chr19-42863277-G-T.
Other names: c.5170G>T, p.Ala1724Ser (NM_001410.3); c.5170G>T (NM_001410.2); short protein forms A1791S, A1724S.
Identifiers: ClinVar variation 1522104 (VCV001522104.6), dbSNP rs370106282, ClinGen allele CA9475557.
Genomic context (GRCh38, chr19:42,359,125, plus strand): 5'-GTCCTGTCCCCCCACCCCCCGTCTCCCCAACAGCCCCGCCCCCGGCTTTTCCACGCCTCA[G>T]CCCTGTTAGGGGACACCATGGTGGTTCTTGGGGGGCGCTCGGACCCTGACGAGTTCAGCA-3'
Protein context (NP_001258867.1, residues 1781-1801): EPRPRLFHAS[Ala1791Ser]LLGDTMVVLG